The following is an entry in ClinVar:

ClinVar aggregate classification (germline): Uncertain significance. Review status: criteria provided, multiple submitters, no conflicts (2 of 4 stars). 6 submissions from 5 submitters: Uncertain significance (5). 1 of the submissions does not count toward it. Last evaluated 2024-12-03.

Conditions:
Glycogen storage disease, type IV (GSD4). Also called: Glycogen storage disease due to glycogen branching enzyme deficiency; AMYLOPECTINOSIS; ANDERSEN DISEASE; BRANCHER DEFICIENCY; CIRRHOSIS, FAMILIAL, WITH DEPOSITION OF ABNORMAL GLYCOGEN; GBE1 DEFICIENCY. Identifiers: Orphanet 367, MedGen C0017923, MONDO:0009292, OMIM 232500.
Glycogen storage disease IV, classic hepatic. Also called: GSD IV, CLASSIC HEPATIC. Identifiers: MedGen C1856301.
Adult polyglucosan body disease (APBN). Also called: POLYGLUCOSAN BODY DISEASE, ADULT FORM; GBE1-Adult Polyglucosan Body Disease. Identifiers: Orphanet 206583, MedGen C1849722, MONDO:0009897, OMIM 263570.

Allele frequency attached by ClinVar (database versions not stated): gnomAD exomes 0.00002 and 0.00005; TOPMed 0.00004; gnomAD 0.00005 and 0.00006; ExAC 0.00007.
gnomAD v4.1: 46 of 1,612,206 alleles (0.0029%); highest among the groups gnomAD compares: Middle Eastern, 0.082%; no homozygotes.

Submissions (6):

Labcorp Genetics (formerly Invitae), Labcorp
Classification: Uncertain significance for Glycogen storage disease, type IV; Glycogen storage disease IV, classic hepatic. Last evaluated: 2024-12-03. Review status: criteria provided, single submitter. Criteria: Invitae Variant Classification Sherloc (09022015). Collection method: clinical testing. Allele origin: germline.
Comment: This sequence change replaces leucine, which is neutral and non-polar, with proline, which is neutral and non-polar, at codon 663 of the GBE1 protein (p.Leu663Pro). This variant is present in population databases (rs761908536, gnomAD 0.01%). This variant has not been reported in the literature in individuals affected with GBE1-related conditions. ClinVar contains an entry for this variant (Variation ID: 526615). Invitae Evidence Modeling of protein sequence and biophysical properties (such as structural, functional, and spatial information, amino acid conservation, physicochemical variation, residue mobility, and thermodynamic stability) indicates that this missense variant is not expected to disrupt GBE1 protein function with a negative predictive value of 95%. In summary, the available evidence is currently insufficient to determine the role of this variant in disease. Therefore, it has been classified as a Variant of Uncertain Significance.

Blueprint Genetics
Classification: Uncertain significance. Last evaluated: 2024-05-02. Review status: criteria provided, single submitter. Criteria: ACMG Guidelines, 2015. Collection method: clinical testing. Allele origin: germline.

Genome-Nilou Lab
Classification: Uncertain significance for Glycogen storage disease, type IV. Last evaluated: 2021-07-14. Review status: criteria provided, single submitter. Criteria: ACMG Guidelines, 2015. Collection method: clinical testing. Allele origin: germline. Affected: no.

Genome-Nilou Lab
Classification: Uncertain significance for Adult polyglucosan body disease. Last evaluated: 2021-07-14. Review status: criteria provided, single submitter. Criteria: ACMG Guidelines, 2015. Collection method: clinical testing. Allele origin: germline. Affected: no.

CeGaT Center for Human Genetics Tuebingen
Classification: Uncertain significance. Last evaluated: 2016-05-01. Review status: criteria provided, single submitter. Criteria: CeGaT Center For Human Genetics Tuebingen Variant Classification Criteria Version 2. Collection method: clinical testing. Allele origin: germline. Affected: yes. Observed: 1 variant allele.

Natera, Inc.
Classification: Uncertain significance for Glycogen storage disease type IV. Last evaluated: 2019-10-28. Review status: no assertion criteria provided. Collection method: clinical testing. Allele origin: germline. Not counted in ClinVar's aggregate classification.

NM_000158.4(GBE1):c.1988T>C (p.Leu663Pro)

Gene: GBE1 (1,4-alpha-glucan branching enzyme 1; minus strand). Cytogenetic location: 3p12.2.
Variant type: single nucleotide variant.
Coding change: c.1988T>C on transcript NM_000158.4 (MANE Select); coding-DNA position 1988, T replaced by C.
Protein change: p.Leu663Pro; replaces leucine 663 with proline.
Molecular consequence: missense variant.
Genome position (GRCh38, 1-based): chr3:81,499,174, A>G on the plus strand (T>C on the coding strand, the complement: GBE1 is on the minus strand). VCF-style: chr3-81499174-A-G. GRCh37 (hg19) VCF-style: chr3-81548325-A-G.
Other names: short protein forms L663P.
Identifiers: ClinVar variation 526615 (VCV000526615.52), dbSNP rs761908536, ClinGen allele CA2499496.
Genomic context (GRCh38, chr3:81,499,174, plus strand): 5'-AGAGAATAGGGACGCCCATTATGTTCAAAAGCCTCAGAAAAAAAGTCAGTGCTGTGGTCC[A>G]GTCTCTGATGCCCTCCATATTCCGCTGCATCTGAATCTAGCACAATTTTGAATGTACAGC-3'
Protein context (NP_000149.4, residues 653-673): DAAEYGGHQR[Leu663Pro]DHSTDFFSEA